The following is an entry in ClinVar:

NM_033026.6(PCLO):c.4367C>T (p.Ser1456Phe)

Gene: PCLO (piccolo presynaptic cytomatrix protein; minus strand). Cytogenetic location: 7q21.11.
Variant type: single nucleotide variant.
Coding change: c.4367C>T on transcript NM_033026.6 (MANE Select); coding-DNA position 4367, C replaced by T.
Protein change: p.Ser1456Phe; replaces serine 1456 with phenylalanine.
Molecular consequence: missense variant.
Genome position (GRCh38, 1-based): chr7:82,956,586, G>A on the plus strand (C>T on the coding strand, the complement: PCLO is on the minus strand). VCF-style: chr7-82956586-G-A. GRCh37 (hg19) VCF-style: chr7-82585902-G-A.
Other names: c.4367C>T, p.Ser1456Phe (NM_014510.3); c.4367C>T (NM_033026.5); short protein forms S1456F.
Identifiers: ClinVar variation 1469655 (VCV001469655.7), dbSNP rs779695259, ClinGen allele CA4320841.

ClinVar aggregate classification (germline): Uncertain significance. Review status: criteria provided, multiple submitters, no conflicts (2 of 4 stars). 2 submissions from 2 submitters: Uncertain significance (2). Last evaluated 2023-04-17.

Conditions:
Inborn genetic diseases. Identifiers: MedGen C0950123, MeSH D030342.

Allele frequency attached by ClinVar (database versions not stated): gnomAD exomes below 0.00001 and 0.00001; ExAC 0.00001; gnomAD 0.00001; TOPMed 0.00001.
gnomAD v4.1: 5 of 1,613,184 alleles (0.00031%); highest among the groups gnomAD compares: Non-Finnish European, 0.00042%; no homozygotes.

Submissions (2):

Ambry Genetics
Classification: Uncertain significance for Inborn genetic diseases. Last evaluated: 2023-04-17. Review status: criteria provided, single submitter. Criteria: Ambry Variant Classification Scheme 2023. Collection method: clinical testing. Allele origin: germline.

Labcorp Genetics (formerly Invitae), Labcorp
Classification: Uncertain significance. Last evaluated: 2021-03-24. Review status: criteria provided, single submitter. Criteria: Invitae Variant Classification Sherloc (09022015). Collection method: clinical testing. Allele origin: germline.
Comment: This sequence change replaces serine with phenylalanine at codon 1456 of the PCLO protein (p.Ser1456Phe). The serine residue is weakly conserved and there is a large physicochemical difference between serine and phenylalanine. In summary, the available evidence is currently insufficient to determine the role of this variant in disease. Therefore, it has been classified as a Variant of Uncertain Significance. Algorithms developed to predict the effect of missense changes on protein structure and function are either unavailable or do not agree on the potential impact of this missense change (SIFT: "Tolerated"; PolyPhen-2: "Not Available"; Align-GVGD: "Class C0"). This variant has not been reported in the literature in individuals with PCLO-related conditions. This variant is present in population databases (rs779695259, ExAC 0.002%).